The following is an entry in ClinVar:

NM_000321.3(RB1):c.2490-4A>G

Gene: RB1 (RB transcriptional corepressor 1; plus strand). Cytogenetic location: 13q14.2.
Variant type: single nucleotide variant.
Coding change: c.2490-4A>G on transcript NM_000321.3 (MANE Select); 4 bases into the intron before coding-DNA position 2490, A replaced by G.
Molecular consequence: intron variant.
Genome position (GRCh38, 1-based): chr13:48,473,356, A>G. VCF-style: chr13-48473356-A-G. GRCh37 (hg19) VCF-style: chr13-49047492-A-G.
Other names: c.2490-4A>G (NM_000321.2).
Identifiers: ClinVar variation 1141294 (VCV001141294.10), dbSNP rs372449026, ClinGen allele CA035884.

ClinVar aggregate classification (germline): Conflicting classifications of pathogenicity. Review status: criteria provided, conflicting classifications (1 of 4 stars). 3 submissions from 3 submitters: Uncertain significance (1); Likely benign (2). Last evaluated 2025-09-09.

Conditions:
Hereditary cancer-predisposing syndrome. Also called: Hereditary Cancer Syndrome; Neoplastic Syndromes, Hereditary; Hereditary neoplastic syndrome; Tumor predisposition. Identifiers: Orphanet 140162, MedGen C0027672, MeSH D009386, MONDO:0015356.
Retinoblastoma (RB1). Also called: RETINOBLASTOMA, SOMATIC. Identifiers: Orphanet 790, MedGen C0035335, MeSH D012175, MONDO:0008380, OMIM 180200, HP:0009919. Disease mechanism: loss of function. Inheritance: Both sporadic and heritable forms are tested..

Allele frequency attached by ClinVar (database versions not stated): gnomAD exomes below 0.00001; ExAC 0.00001; gnomAD 0.00001; TOPMed 0.00001; ESP Exome Variant Server 0.00008.
gnomAD v4.1: 3 of 1,574,296 alleles (0.00019%); highest among the groups gnomAD compares: African/African-American, 0.0027%; no homozygotes.

Submissions (3):

Color Diagnostics, LLC DBA Color Health
Classification: Likely benign for Retinoblastoma. Last evaluated: 2025-09-09. Review status: criteria provided, single submitter. Criteria: ACMG Guidelines, 2015. Collection method: clinical testing. Allele origin: germline.

Ambry Genetics
Classification: Uncertain significance for Hereditary cancer-predisposing syndrome. Last evaluated: 2025-06-18. Review status: criteria provided, single submitter. Criteria: Ambry Variant Classification Scheme 2023. Collection method: clinical testing. Allele origin: germline.
Comment: The c.2490-4A>G intronic variant results from an A to G substitution 4 nucleotides upstream from coding exon 24 in the RB1 gene. This nucleotide position is well conserved in available vertebrate species. In silico splice site analysis for this alteration is inconclusive. Based on the available evidence, the clinical significance of this variant remains unclear.

Labcorp Genetics (formerly Invitae), Labcorp
Classification: Likely benign for Retinoblastoma. Last evaluated: 2021-06-07. Review status: criteria provided, single submitter. Criteria: Invitae Variant Classification Sherloc (09022015). Collection method: clinical testing. Allele origin: germline.